The following is an entry in ClinVar:

ClinVar aggregate classification (germline): Uncertain significance. Review status: criteria provided, multiple submitters, no conflicts (2 of 4 stars). 10 submissions from 10 submitters: Uncertain significance (9). 1 of the submissions does not count toward it. Last evaluated 2026-08-04.

Conditions:
CDKN1B-related disorder. Also called: CDKN1B-related condition.
Familial hyperparathyroidism or Hypocalciuric hypercalcaemia.
Hereditary cancer-predisposing syndrome. Also called: Neoplastic Syndromes, Hereditary; Tumor predisposition; Hereditary Cancer Syndrome; Hereditary neoplastic syndrome. Identifiers: Orphanet 140162, MedGen C0027672, MeSH D009386, MONDO:0015356.
Multiple endocrine neoplasia type 4. Also called: MULTIPLE ENDOCRINE NEOPLASIA, TYPE IV. Identifiers: Orphanet 276152, MedGen C1970712, MONDO:0012552, OMIM 610755.

Allele frequency attached by ClinVar (database versions not stated): TOPMed 0.00008; 1000 Genomes Project 30x 0.00016.

Submissions (10):

PreventionGenetics, part of Exact Sciences
Classification: Uncertain significance for CDKN1B-related condition. Last evaluated: 2026-08-04. Review status: criteria provided, single submitter. Criteria: ACMG Guidelines, 2015. Collection method: clinical testing. Allele origin: germline.
Comment: The CDKN1B c.283C>T variant is predicted to result in the amino acid substitution p.Pro95Ser. This variant was reported in an individual with multiple endocrine neoplasia and Zollinger-Ellison syndrome (Agarwal et al. 2009. PubMed ID: 19141585). Functional studies suggested that this variant could result in reduced binding to GRB2 protein (Agarwal et al. 2009. PubMed ID: 19141585). This variant is reported in 0.014% of alleles in individuals of European (Non-Finnish) descent in gnomAD and is interpreted as uncertain significance in ClinVar (Variation ID: 404265). At this time, the clinical significance of this variant is uncertain due to the absence of conclusive functional and genetic evidence.

Labcorp Genetics (formerly Invitae), Labcorp
Classification: Uncertain significance for Multiple endocrine neoplasia type 4. Last evaluated: 2026-01-13. Review status: criteria provided, single submitter. Criteria: Invitae Variant Classification Sherloc (09022015). Collection method: clinical testing. Allele origin: germline.
Comment: This sequence change replaces proline, which is neutral and non-polar, with serine, which is neutral and polar, at codon 95 of the CDKN1B protein (p.Pro95Ser). This variant is present in population databases (rs188579132, gnomAD 0.01%). This missense change has been observed in individual(s) with multiple neoplasia type 1 and Zollinger-Ellison syndrome (PMID: 19141585). ClinVar contains an entry for this variant (Variation ID: 404265). An algorithm developed to predict the effect of missense changes on protein structure and function (PolyPhen-2) suggests that this variant is likely to be tolerated. Experimental studies have shown that this missense change affects CDKN1B function (PMID: 19141585). In summary, the available evidence is currently insufficient to determine the role of this variant in disease. Therefore, it has been classified as a Variant of Uncertain Significance.

Ambry Genetics
Classification: Uncertain significance for Hereditary cancer-predisposing syndrome. Last evaluated: 2025-10-15. Review status: criteria provided, single submitter. Criteria: Ambry Variant Classification Scheme 2023. Collection method: clinical testing. Allele origin: germline.
Comment: The p.P95S variant (also known as c.283C>T), located in coding exon 1 of the CDKN1B gene, results from a C to T substitution at nucleotide position 283. The proline at codon 95 is replaced by serine, an amino acid with similar properties. This alteration was detected in one individual with features of Multiple Endocrine Neoplasia Type 1 syndrome, including hyperparathyroidism and Zollinger-Ellison syndrome (Agarwal SK et al. J. Clin. Endocrinol. Metab., 2009 May;94:1826-34). This amino acid position is not well conserved in available vertebrate species. In addition, the in silico prediction for this alteration is inconclusive. Since supporting evidence is limited at this time, the clinical significance of this alteration remains unclear.

Cambridge Genomics Laboratory, East Genomic Laboratory Hub, NHS Genomic Medicine Service
Classification: Uncertain significance for Familial hyperparathyroidism or Hypocalciuric hypercalcaemia. Last evaluated: 2025-06-19. Review status: criteria provided, single submitter. Criteria: ACGS Best Practice Guidelines for Variant Classification in Rare Disease 2020. Collection method: clinical testing. Allele origin: germline. Affected: yes.

Quest Diagnostics Nichols Institute San Juan Capistrano
Classification: Uncertain significance. Last evaluated: 2025-04-24. Review status: criteria provided, single submitter. Criteria: Quest Diagnostics criteria. Collection method: clinical testing. Allele origin: unknown.
Comment: The CDKN1B c.283C>T (p.Pro95Ser) variant has been reported in the published literature in an individual with multiple endocrine neoplasia (PMID: 31980526 (2020)), and an individual with Zollinger-Ellison Syndrome and parathyroid tumors (PMID: 19141585 (2009)). In addition, this variant was seen in co-occurrence with a CDKN1B nonsense variant in an individual with breast cancer (PMID: 33140857 (2021)). Assessment of experimental evidence suggests this variant results in abnormal protein function (PMID: 19141585 (2009)). The frequency of this variant in the general population (Genome Aggregation Database) is higher than would generally be expected for pathogenic variants in this gene. Analysis of this variant using bioinformatics tools for the prediction of the effect of amino acid changes on protein structure and function yielded conflicting predictions that this variant is deleterious or benign. Based on the available information, we are unable to determine the clinical significance of this variant.

St. Jude Molecular Pathology, St. Jude Children's Research Hospital
Classification: Uncertain significance for Multiple endocrine neoplasia type 4. Last evaluated: 2024-10-02. Review status: criteria provided, single submitter. Criteria: St. Jude Assertion Criteria 2020. Collection method: clinical testing. Allele origin: germline.
Comment: The CDKN1B c.283C>T (p.Pro95Ser) missense change has a maximum subpopulation frequency of 0.01% in gnomAD v2.1.1. The in silico tool REVEL is inconclusive about a pathogenic or benign effect of this variant on protein function. This variant is reported to have reduced binding to GRB2 and was reported in an individual with hyperparathyroidism and Zollinger-Ellison syndrome (PMID: 19141585). In summary, the evidence currently available is insufficient to determine the clinical significance of this variant. It has therefore been classified as of uncertain significance.

Fulgent Genetics
Classification: Uncertain significance for Multiple endocrine neoplasia type 4. Last evaluated: 2024-01-19. Review status: criteria provided, single submitter. Criteria: ACMG Guidelines, 2015. Collection method: clinical testing. Allele origin: germline.

GeneDx
Classification: Uncertain significance. Last evaluated: 2023-03-14. Review status: criteria provided, single submitter. Criteria: GeneDx Variant Classification Process June 2021. Collection method: clinical testing. Allele origin: germline. Affected: yes.
Comment: In silico analysis supports that this missense variant does not alter protein structure/function; Observed in an individual with multiple endocrine neoplasia type 1 and was shown to impair binding to GRB2 (Agarwal et al., 2009); This variant is associated with the following publications: (PMID: 24819502, 20824794, 30065701, 22584700, 28824003, 34426522, 31980526, 19141585)

Sema4
Classification: Uncertain significance for Hereditary cancer-predisposing syndrome. Last evaluated: 2021-10-19. Review status: criteria provided, single submitter. Criteria: Sema4 Curation Guidelines. Collection method: curation. Allele origin: germline.
Comment: The CDKN1B c.283C>T (p.P95S) variant has been reported in individuals with multiple endocrine neoplasia (PMID: 19141585, 31980526). It was observed in 18/128704 chromosomes of the Non-Finnish European subpopulation in the large and broad cohorts of the Genome Aggregation Database (PMID: 32461654). The variant has been reported in ClinVar (Variation ID 404265). A functional study demonstrated the variant to result in reduced binding to GRB2 (PMID: 19141585). The evidence is insufficient to meet ACMG/AMP criteria for classifying the variant as benign or pathogenic. Thus, the clinical significance of this variant is currently uncertain.

Department of Pathology and Laboratory Medicine, Sinai Health System
Classification: Uncertain significance. Review status: no assertion criteria provided. Collection method: clinical testing. Allele origin: unknown. Affected: yes. Study: The Canadian Open Genetics Repository (COGR). Not counted in ClinVar's aggregate classification.
Comment: The CDKN1B p.P95S variant was identified in one individual with Zollinger-Ellison syndrome (Agarwal_2009_PMID: 19141585). The variant was not identified in COSMIC but was identified in dbSNP (ID: rs188579132) and ClinVar (classified as uncertain significance by Ambry Genetics and Invitae). The variant was identified in control databases in 23 of 281634 chromosomes at a frequency of 0.00008167, and was observed at the highest frequency in the European (non-Finnish) population in 18 of 128704 chromosomes (freq: 0.0001399) (Genome Aggregation Database March 6, 2019, v2.1.1). The p.P95 residue is conserved in mammals and computational analyses (MUT Assesor, PolyPhen-2, SIFT, MutationTaster, Revel, FATHMM, MetaLR, DANN) provide inconsistent predictions regarding the impact to the protein; this information is not very predictive of pathogenicity. Functional analysis shows that this variant results in reduced protein binding activity (Agarwal_2009_PMID: 19141585). The variant occurs outside of the splicing consensus sequence and in silico or computational prediction software programs (Splice AI exome) do not predict a difference in splicing. In summary, based on the above information the clinical significance of this variant cannot be determined with certainty at this time. This variant is classified as a variant of uncertain significance.

Literature cited by the submitters: PubMed 19141585 (cited by 4 submitters); PubMed 30476936 (cited by Quest Diagnostics Nichols Institute San Juan Capistrano); PubMed 33140857 (cited by Quest Diagnostics Nichols Institute San Juan Capistrano); PubMed 31980526 (cited by Quest Diagnostics Nichols Institute San Juan Capistrano and Sema4); PubMed 34426522 (cited by Quest Diagnostics Nichols Institute San Juan Capistrano).

NM_004064.5(CDKN1B):c.283C>T (p.Pro95Ser)

Gene: CDKN1B (cyclin dependent kinase inhibitor 1B; plus strand). Cytogenetic location: 12p13.1.
Variant type: single nucleotide variant.
Coding change: c.283C>T on transcript NM_004064.5 (MANE Select); coding-DNA position 283, C replaced by T.
Protein change: p.Pro95Ser; replaces proline 95 with serine.
Molecular consequence: missense variant.
Genome position (GRCh38, 1-based): chr12:12,718,122, C>T. VCF-style: chr12-12718122-C-T. GRCh37 (hg19) VCF-style: chr12-12871056-C-T.
Other names: short protein forms P95S.
Identifiers: ClinVar variation 404265 (VCV000404265.23), dbSNP rs188579132, ClinGen allele CA6457447.